The following is an entry in ClinVar:

NM_001035.3(RYR2):c.14301C>T (p.Leu4767=)

Gene: RYR2 (ryanodine receptor 2; plus strand). Cytogenetic location: 1q43.
Variant type: single nucleotide variant.
Coding change: c.14301C>T on transcript NM_001035.3 (MANE Select); coding-DNA position 14301, C replaced by T.
Protein change: p.Leu4767=; no amino-acid change (leucine 4767 retained).
Molecular consequence: synonymous variant.
Genome position (GRCh38, 1-based): chr1:237,808,903, C>T. VCF-style: chr1-237808903-C-T. GRCh37 (hg19) VCF-style: chr1-237972203-C-T.
Other names: c.14301C>T (NM_001035.2).
Identifiers: ClinVar variation 1085713 (VCV001085713.29), dbSNP rs369715118, ClinGen allele CA085642.

ClinVar aggregate classification (germline): Conflicting classifications of pathogenicity. Review status: criteria provided, conflicting classifications (1 of 4 stars). 7 submissions from 7 submitters: Uncertain significance (1); Likely benign (6). Last evaluated 2025-09-05.

Conditions:
Catecholaminergic polymorphic ventricular tachycardia (CVPT). Also called: Catecholamine-induced polymorphic ventricular tachycardia. Identifiers: Orphanet 3286, MedGen C5574922, MONDO:0017990.
Cardiomyopathy (CMYO). Also called: Cardiomyopathies. Identifiers: Orphanet 167848, MedGen C0878544, MONDO:0004994, HP:0001638. Inheritance: Various modes of inheritance.
Cardiovascular phenotype. Identifiers: MedGen CN230736.
Catecholaminergic polymorphic ventricular tachycardia 1. Also called: RYR2-Related Catecholaminergic Polymorphic Ventricular Tachycardia; VENTRICULAR TACHYCARDIA, CATECHOLAMINERGIC POLYMORPHIC, 1, WITH OR WITHOUT ATRIAL DYSFUNCTION AND/OR DILATED CARDIOMYOPATHY; VENTRICULAR TACHYCARDIA, STRESS-INDUCED POLYMORPHIC 1. Identifiers: Orphanet 3286, MedGen C1631597, MONDO:0011484, OMIM 604772.

Allele frequency attached by ClinVar (database versions not stated): gnomAD 0.00001; ExAC 0.00002; gnomAD exomes 0.00002 and 0.00004; TOPMed 0.00003; ESP Exome Variant Server 0.00017.
gnomAD v4.1: 27 of 1,613,270 alleles (0.0017%); highest among the groups gnomAD compares: Middle Eastern, 0.016%; no homozygotes.

Submissions (7):

Labcorp Genetics (formerly Invitae), Labcorp
Classification: Likely benign for Catecholaminergic polymorphic ventricular tachycardia 1. Last evaluated: 2025-09-05. Review status: criteria provided, single submitter. Criteria: Invitae Variant Classification Sherloc (09022015). Collection method: clinical testing. Allele origin: germline.

Molecular Diagnostic Laboratory for Inherited Cardiovascular Disease, Montreal Heart Institute
Classification: Likely benign. Last evaluated: 2025-04-09. Review status: criteria provided, single submitter. Criteria: ACMG Guidelines, 2015. Collection method: clinical testing. Allele origin: germline. Affected: no.

CeGaT Center for Human Genetics Tuebingen
Classification: Likely benign. Last evaluated: 2024-12-01. Review status: criteria provided, single submitter. Criteria: CeGaT Center For Human Genetics Tuebingen Variant Classification Criteria Version 2. Collection method: clinical testing. Allele origin: germline. Affected: yes. Observed: 1 variant allele.
Comment: RYR2: BP4, BP7

Blueprint Genetics
Classification: Likely benign. Last evaluated: 2024-10-22. Review status: criteria provided, single submitter. Criteria: ACMG Guidelines, 2015. Collection method: clinical testing. Allele origin: germline.

All of Us Research Program, National Institutes of Health
Classification: Uncertain significance for Catecholaminergic polymorphic ventricular tachycardia. Last evaluated: 2023-11-30. Review status: criteria provided, single submitter. Criteria: ACMG Guidelines, 2015. Collection method: clinical testing. Allele origin: germline. Inheritance: Autosomal dominant inheritance. Observed: 1 variant allele, 1 heterozygote.
Comment: This study involves interpretation of variants in research participants for the purpose of population health screening. Participant phenotype was not available at the time of variant classification. Additional details can be found in publication PMID: 35346344, PMCID: PMC8962531

Ambry Genetics
Classification: Likely benign for Cardiovascular phenotype. Last evaluated: 2023-04-06. Review status: criteria provided, single submitter. Criteria: Ambry Variant Classification Scheme 2023. Collection method: clinical testing. Allele origin: germline.

Color Diagnostics, LLC DBA Color Health
Classification: Likely benign for Cardiomyopathy. Last evaluated: 2022-11-06. Review status: criteria provided, single submitter. Criteria: ACMG Guidelines, 2015. Collection method: clinical testing. Allele origin: germline.

Literature cited by the submitters: PubMed 22222782 (cited by Ambry Genetics).